The following is an entry in ClinVar:

NM_002693.3(POLG):c.160C>T (p.Gln54Ter)

Genes: POLG (DNA polymerase gamma, catalytic subunit; minus strand), POLGARF (POLG alternative reading frame; minus strand). Cytogenetic location: 15q26.1.
Variant type: single nucleotide variant.
Coding change: c.160C>T on transcript NM_002693.3 (MANE Select); coding-DNA position 160, C replaced by T.
Protein change: p.Gln54Ter; replaces glutamine 54 with a stop codon.
Molecular consequence: nonsense.
Genome position (GRCh38, 1-based): chr15:89,333,595, G>A on the plus strand (C>T on the coding strand, the complement: POLG is on the minus strand). VCF-style: chr15-89333595-G-A. GRCh37 (hg19) VCF-style: chr15-89876826-G-A.
Other names: c.160C>T (NM_002693.2); c.160C>T, p.Gln54Ter (NM_001126131.2); short protein forms Q54*.
Identifiers: ClinVar variation 598699 (VCV000598699.9), dbSNP rs774768199, ClinGen allele CA7725179.

ClinVar aggregate classification (germline): Pathogenic/Likely pathogenic. Review status: criteria provided, multiple submitters, no conflicts (2 of 4 stars). 4 submissions from 4 submitters: Pathogenic (1); Likely pathogenic (3). Last evaluated 2024-03-29.

Conditions:
Progressive sclerosing poliodystrophy (MTDPS4A). Also called: Alpers-Huttenlocher Syndrome (AHS); Alpers Syndrome; ALPERS PROGRESSIVE INFANTILE POLIODYSTROPHY; Mitochondrial DNA depletion syndrome 4A (Alpers type); ALPERS DIFFUSE DEGENERATION OF CEREBRAL GRAY MATTER WITH HEPATIC CIRRHOSIS; Alpers-Huttenlocher Syndrome. Identifiers: Orphanet 726, MedGen C0205710, MONDO:0008758, OMIM 203700.

Allele frequency attached by ClinVar (database versions not stated): gnomAD exomes below 0.00001; ExAC 0.00001.

Submissions (4):

Genetic Services Laboratory, University of Chicago
Classification: Likely pathogenic. Last evaluated: 2024-03-29. Review status: criteria provided, single submitter. Criteria: ACMG Guidelines, 2015. Collection method: clinical testing. Allele origin: germline. Affected: yes.
Comment: DNA sequence analysis of the POLG gene demonstrated a sequence change, c.160C>T, which results in the creation of a premature stop codon at amino acid position 54, p.Gln54*. This likely pathogenic sequence change is predicted to result in an abnormal transcript, which may be degraded, or may lead to the production of a truncated POLG protein with potentially abnormal function. This sequence change has been described in the gnomAD database with a frequency of 0.0004% in the overall population (dbSNP rs774768199). This likely pathogenic sequence change has not been previously been described in individuals with POLG-related disorders, however, other loss-of-function variants in POLG are known to be pathogenic (PMID: 18546365). These collective evidences indicate that this sequence change is likely pathogenic, however functional studies have not been performed to prove this conclusively.

Athena Diagnostics
Classification: Likely pathogenic. Last evaluated: 2023-04-27. Review status: criteria provided, single submitter. Criteria: Athena Diagnostics Criteria. Collection method: clinical testing. Allele origin: unknown.
Comment: This variant is expected to result in the loss of a functional protein. The frequency of this variant in the general population is consistent with pathogenicity.

Baylor Genetics
Classification: Likely pathogenic for Progressive sclerosing poliodystrophy. Last evaluated: 2023-02-28. Review status: criteria provided, single submitter. Criteria: ACMG Guidelines, 2015. Collection method: clinical testing. Allele origin: unknown.

Eurofins Ntd Llc (ga)
Classification: Pathogenic. Last evaluated: 2018-09-12. Review status: criteria provided, single submitter. Criteria: EGL ClinVar v180209 classification definitions. Collection method: clinical testing. Allele origin: germline. Observed: 1 variant allele, 1 heterozygote.